The following is an entry in ClinVar:

NM_147686.4(TRAF3IP2):c.1201+1G>A

Genes: TRAF3IP2 (TRAF3 interacting protein 2; minus strand), TRAF3IP2-AS1 (TRAF3IP2 antisense RNA 1; plus strand). Cytogenetic location: 6q21.
Variant type: single nucleotide variant.
Coding change: c.1201+1G>A on transcript NM_147686.4 (MANE Select); the canonical splice donor site of the intron after coding-DNA position 1201, G replaced by A.
Molecular consequence: splice donor variant.
Genome position (GRCh38, 1-based): chr6:111,575,642, C>T on the plus strand (G>A on the coding strand, the complement: TRAF3IP2 is on the minus strand). VCF-style: chr6-111575642-C-T. GRCh37 (hg19) VCF-style: chr6-111896845-C-T.
Other names: c.1201+1G>A (NM_001164281.3); c.1228+1G>A (NM_147200.3).
Identifiers: ClinVar variation 4746317 (VCV004746317.1).

ClinVar aggregate classification (germline): Likely pathogenic (1 of 4 stars; one submission).

Conditions:
Candidiasis, familial, 8 (CANDF8). Identifiers: Orphanet 1334, MedGen C3714992, MONDO:0014230, OMIM 615527.

Submission:

Labcorp Genetics (formerly Invitae), Labcorp
Classification: Likely pathogenic for Candidiasis, familial, 8. Last evaluated: 2025-11-04. Review status: criteria provided, single submitter. Criteria: Invitae Variant Classification Sherloc (09022015). Collection method: clinical testing. Allele origin: germline.
Comment: This sequence change affects a donor splice site in intron 4 of the TRAF3IP2 gene. It is expected to disrupt RNA splicing. Variants that disrupt the donor or acceptor splice site typically lead to a loss of protein function (PMID: 16199547), and loss-of-function variants in TRAF3IP2 are known to be pathogenic (PMID: 24120361). This variant is present in population databases (rs375800644, gnomAD 0.01%). This variant has not been reported in the literature in individuals affected with TRAF3IP2-related conditions. Algorithms developed to predict the effect of sequence changes on RNA splicing suggest that this variant may disrupt the consensus splice site. In summary, the currently available evidence indicates that the variant is pathogenic, but additional data are needed to prove that conclusively. Therefore, this variant has been classified as Likely Pathogenic.

Literature cited by the submitters: PubMed 16199547; PubMed 24120361.